The following is an entry in ClinVar:

NM_001367624.2(ZNF469):c.263G>A (p.Gly88Glu)

Gene: ZNF469 (zinc finger protein 469; plus strand). Cytogenetic location: 16q24.2.
Variant type: single nucleotide variant.
Coding change: c.263G>A on transcript NM_001367624.2 (MANE Select); coding-DNA position 263, G replaced by A.
Protein change: p.Gly88Glu; replaces glycine 88 with glutamic acid.
Molecular consequence: missense variant.
Genome position (GRCh38, 1-based): chr16:88,427,733, G>A. VCF-style: chr16-88427733-G-A. GRCh37 (hg19) VCF-style: chr16-88494141-G-A.
Other names: NM_001127464.1:c.263G>A; short protein forms G88E.
Identifiers: ClinVar variation 2449533 (VCV002449533.5), dbSNP rs1010942366, ClinGen allele CA286371449.
Genomic context (GRCh38, chr16:88,427,733, plus strand): 5'-CCAGGGACGGGGAGCTCAAGCCCCCATCCCTGAGAGGCCAGGCCCCGAGCAGCACCCCTG[G>A]GAAGAGGGGCAGCCCCCAGACCCCACCGGGGAGAAGCCCCTTGCAGGCTCCCTCAAGGCT-3'
Protein context (NP_001354553.1, residues 78-98): LRGQAPSSTP[Gly88Glu]KRGSPQTPPG

ClinVar aggregate classification (germline): Uncertain significance. Review status: criteria provided, multiple submitters, no conflicts (2 of 4 stars). 3 submissions from 3 submitters: Uncertain significance (3). Last evaluated 2026-04-20.

Conditions:
Cardiovascular phenotype. Identifiers: MedGen CN230736.

Allele frequency attached by ClinVar (database versions not stated): TOPMed below 0.00001; gnomAD exomes 0.00001; gnomAD 0.00002.

Submissions (3):

Women's Health and Genetics/Laboratory Corporation of America, LabCorp
Classification: Uncertain significance. Last evaluated: 2026-04-20. Review status: criteria provided, single submitter. Criteria: LabCorp Variant Classification Summary - May 2015. Collection method: clinical testing. Allele origin: germline.
Comment: Variant summary: ZNF469 c.263G>A (p.Gly88Glu) results in a non-conservative amino acid change in the encoded protein sequence. Algorithms developed to predict the effect of missense changes on protein structure and function are either unavailable or do not agree on the potential impact of this missense change. The variant was absent in 135150 control chromosomes. The available data on variant occurrences in the general population are insufficient to allow any conclusion about variant significance. To our knowledge, no occurrence of c.263G>A in individuals affected with ZNF469-related conditions and no experimental evidence demonstrating its impact on protein function have been reported. ClinVar contains an entry for this variant (Variation ID: 2449533). Based on the evidence outlined above, the variant was classified as uncertain significance.

Labcorp Genetics (formerly Invitae), Labcorp
Classification: Uncertain significance. Last evaluated: 2024-03-09. Review status: criteria provided, single submitter. Criteria: Invitae Variant Classification Sherloc (09022015). Collection method: clinical testing. Allele origin: germline.
Comment: This sequence change replaces glycine, which is neutral and non-polar, with glutamic acid, which is acidic and polar, at codon 88 of the ZNF469 protein (p.Gly88Glu). This variant is present in population databases (no rsID available, gnomAD 0.01%). This variant has not been reported in the literature in individuals affected with ZNF469-related conditions. ClinVar contains an entry for this variant (Variation ID: 2449533). Algorithms developed to predict the effect of missense changes on protein structure and function output the following: SIFT: "Not Available"; PolyPhen-2: "Benign"; Align-GVGD: "Not Available". The glutamic acid amino acid residue is found in multiple mammalian species, which suggests that this missense change does not adversely affect protein function. In summary, the available evidence is currently insufficient to determine the role of this variant in disease. Therefore, it has been classified as a Variant of Uncertain Significance.

Ambry Genetics
Classification: Uncertain significance for Cardiovascular phenotype. Last evaluated: 2023-03-08. Review status: criteria provided, single submitter. Criteria: Ambry Variant Classification Scheme 2023. Collection method: clinical testing. Allele origin: germline.
Comment: The p.G88E variant (also known as c.263G>A), located in coding exon 1 of the ZNF469 gene, results from a G to A substitution at nucleotide position 263. The glycine at codon 88 is replaced by glutamic acid, an amino acid with similar properties. This amino acid position is conserved. In addition, this alteration is predicted to be tolerated by in silico analysis. Since supporting evidence is limited at this time, the clinical significance of this alteration remains unclear.